The following is an entry in ClinVar:

NM_005393.3(PLXNB3):c.2365G>A (p.Ala789Thr)

Gene: PLXNB3 (plexin B3; plus strand). Cytogenetic location: Xq28.
Variant type: single nucleotide variant.
Coding change: c.2365G>A on transcript NM_005393.3 (MANE Select); coding-DNA position 2365, G replaced by A.
Protein change: p.Ala789Thr; replaces alanine 789 with threonine.
Molecular consequence: missense variant.
Genome position (GRCh38, 1-based): chrX:153,771,503, G>A. VCF-style: chrX-153771503-G-A. GRCh37 (hg19) VCF-style: chrX-153036958-G-A.
Other names: c.2434G>A, p.Ala812Thr (NM_001163257.2); short protein forms A812T, A789T.
Identifiers: ClinVar variation 2594002 (VCV002594002.26), dbSNP rs782155380, ClinGen allele CA10551209.

ClinVar aggregate classification (germline): Conflicting classifications of pathogenicity. Review status: criteria provided, conflicting classifications (1 of 4 stars). 2 submissions from 2 submitters: Uncertain significance (1); Likely benign (1). Last evaluated 2023-08-22.

Allele frequency attached by ClinVar (database versions not stated): TOPMed 0.00009; gnomAD 0.00010; gnomAD exomes 0.00014; ExAC 0.00022.
gnomAD v4.1: 156 of 1,204,008 alleles (0.013%); highest among the groups gnomAD compares: Middle Eastern, 0.023%; no homozygotes.

Submissions (2):

Ambry Genetics
Classification: Uncertain significance. Last evaluated: 2023-08-22. Review status: criteria provided, single submitter. Criteria: Ambry Variant Classification Scheme 2023. Collection method: clinical testing. Allele origin: germline.

CeGaT Center for Human Genetics Tuebingen
Classification: Likely benign. Last evaluated: 2022-07-01. Review status: criteria provided, single submitter. Criteria: CeGaT Center For Human Genetics Tuebingen Variant Classification Criteria Version 2. Collection method: clinical testing. Allele origin: germline. Affected: yes. Observed: 1 variant allele.
Comment: PLXNB3: BP4, BS2